The following is an entry in ClinVar:

NM_006017.3(PROM1):c.241C>T (p.Gln81Ter)

Gene: PROM1 (prominin 1; minus strand). Cytogenetic location: 4p15.32.
Variant type: single nucleotide variant.
Coding change: c.241C>T on transcript NM_006017.3 (MANE Select); coding-DNA position 241, C replaced by T.
Protein change: p.Gln81Ter; replaces glutamine 81 with a stop codon.
Molecular consequence: nonsense.
Genome position (GRCh38, 1-based): chr4:16,038,981, G>A on the plus strand (C>T on the coding strand, the complement: PROM1 is on the minus strand). VCF-style: chr4-16038981-G-A. GRCh37 (hg19) VCF-style: chr4-16040604-G-A.
Other names: c.241C>T, p.Gln81Ter (NM_001145851.2, NM_001145852.2, NM_001371406.1 and 6 more transcripts); short protein forms Q81*.
Identifiers: ClinVar variation 2858339 (VCV002858339.3), dbSNP rs2530925226, ClinGen allele CA356430253.
Genomic context (GRCh38, chr4:16,038,981, plus strand): 5'-AATAAATACACCAATGAAAAATTACCTTGTCATAATCAATTTTGGATTCATATGCCTTCT[G>A]TAAGAATTTTCTCAAAGTATCTGGAAAAAAAGCCACAAAATAGCAATATTATTTTTTCAG-3'

ClinVar aggregate classification (germline): Pathogenic (1 of 4 stars; one submission).

Submission:

Labcorp Genetics (formerly Invitae), Labcorp
Classification: Pathogenic. Last evaluated: 2023-04-22. Review status: criteria provided, single submitter. Criteria: Invitae Variant Classification Sherloc (09022015). Collection method: clinical testing. Allele origin: germline.
Comment: This variant is not present in population databases (gnomAD no frequency). For these reasons, this variant has been classified as Pathogenic. This variant has not been reported in the literature in individuals affected with PROM1-related conditions. This sequence change creates a premature translational stop signal (p.Gln81*) in the PROM1 gene. It is expected to result in an absent or disrupted protein product. Loss-of-function variants in PROM1 are known to be pathogenic (PMID: 17605048, 19718270, 24154662, 25474345).

Literature cited by the submitters: PubMed 17605048; PubMed 19718270; PubMed 24154662; PubMed 25474345.